The following is an entry in ClinVar:

NM_018418.5(SPATA7):c.1750A>G (p.Thr584Ala)

Gene: SPATA7 (spermatogenesis associated 7; plus strand). Cytogenetic location: 14q31.3.
Variant type: single nucleotide variant.
Coding change: c.1750A>G on transcript NM_018418.5 (MANE Select); coding-DNA position 1750, A replaced by G.
Protein change: p.Thr584Ala; replaces threonine 584 with alanine.
Molecular consequence: missense variant.
Genome position (GRCh38, 1-based): chr14:88,438,372, A>G. VCF-style: chr14-88438372-A-G. GRCh37 (hg19) VCF-style: chr14-88904716-A-G.
Other names: c.1654A>G, p.Thr552Ala (NM_001040428.4); short protein forms T552A, T584A.
Identifiers: ClinVar variation 1388366 (VCV001388366.8), dbSNP rs752698812, ClinGen allele CA264545876.

ClinVar aggregate classification (germline): Uncertain significance (1 of 4 stars; one submission).

Conditions:
Leber congenital amaurosis 3 (LCA3). Also called: SPATA7-Related Retinitis Pigmentosa. Identifiers: MedGen C1858677, MONDO:0011415, OMIM 604232.

Allele frequency attached by ClinVar (database versions not stated): TOPMed below 0.00001.
gnomAD v4.1: 23 of 1,614,020 alleles (0.0014%); highest among the groups gnomAD compares: East Asian, 0.0022%; no homozygotes.

Submission:

Labcorp Genetics (formerly Invitae), Labcorp
Classification: Uncertain significance for Leber congenital amaurosis 3. Last evaluated: 2022-07-19. Review status: criteria provided, single submitter. Criteria: Invitae Variant Classification Sherloc (09022015). Collection method: clinical testing. Allele origin: germline.
Comment: Algorithms developed to predict the effect of missense changes on protein structure and function output the following: SIFT: "Deleterious"; PolyPhen-2: "Benign"; Align-GVGD: "Class C0". The alanine amino acid residue is found in multiple mammalian species, which suggests that this missense change does not adversely affect protein function. In summary, the available evidence is currently insufficient to determine the role of this variant in disease. Therefore, it has been classified as a Variant of Uncertain Significance. ClinVar contains an entry for this variant (Variation ID: 1388366). This variant has not been reported in the literature in individuals affected with SPATA7-related conditions. This variant is present in population databases (rs752698812, gnomAD 0.006%). This sequence change replaces threonine, which is neutral and polar, with alanine, which is neutral and non-polar, at codon 584 of the SPATA7 protein (p.Thr584Ala).